The following is an entry in ClinVar:

ClinVar aggregate classification (germline): Uncertain significance. Review status: criteria provided, multiple submitters, no conflicts (2 of 4 stars). 5 submissions from 5 submitters: Uncertain significance (5). Last evaluated 2025-10-23.

Conditions:
Neurofibromatosis, type 1 (NF1). Also called: VON RECKLINGHAUSEN DISEASE; NEUROFIBROMATOSIS, TYPE I, SOMATIC; Peripheral type neurofibromatosis; Neurofibromatosis, type I. Identifiers: Orphanet 636, MedGen C0027831, MONDO:0018975, OMIM 162200. Disease mechanism: loss of function.
Hereditary cancer-predisposing syndrome. Also called: Neoplastic Syndromes, Hereditary; Tumor predisposition; Hereditary Cancer Syndrome; Hereditary neoplastic syndrome. Identifiers: Orphanet 140162, MedGen C0027672, MeSH D009386, MONDO:0015356.
Cardiovascular phenotype. Identifiers: MedGen CN230736.
Juvenile myelomonocytic leukemia (JMML). Also called: LEUKEMIA, JUVENILE MYELOMONOCYTIC, SOMATIC. Identifiers: Orphanet 86834, MedGen C0349639, MONDO:0011908, OMIM 607785, HP:0012209.

Submissions (5):

Labcorp Genetics (formerly Invitae), Labcorp
Classification: Uncertain significance for Neurofibromatosis, type 1. Last evaluated: 2025-10-23. Review status: criteria provided, single submitter. Criteria: Invitae Variant Classification Sherloc (09022015). Collection method: clinical testing. Allele origin: germline.
Comment: This sequence change replaces threonine, which is neutral and polar, with methionine, which is neutral and non-polar, at codon 107 of the NF1 protein (p.Thr107Met). This variant is not present in population databases (gnomAD no frequency). This variant has not been reported in the literature in individuals affected with NF1-related conditions. ClinVar contains an entry for this variant (Variation ID: 561690). Invitae Evidence Modeling of protein sequence and biophysical properties (such as structural, functional, and spatial information, amino acid conservation, physicochemical variation, residue mobility, and thermodynamic stability) indicates that this missense variant is expected to disrupt NF1 protein function with a positive predictive value of 80%. In summary, the available evidence is currently insufficient to determine the role of this variant in disease. Therefore, it has been classified as a Variant of Uncertain Significance.

Ambry Genetics
Classification: Uncertain significance for Cardiovascular phenotype; Hereditary cancer-predisposing syndrome. Last evaluated: 2024-12-24. Review status: criteria provided, single submitter. Criteria: Ambry Variant Classification Scheme 2023. Collection method: clinical testing. Allele origin: germline.
Comment: The p.T107M variant (also known as c.320C>T), located in coding exon 4 of the NF1 gene, results from a C to T substitution at nucleotide position 320. The threonine at codon 107 is replaced by methionine, an amino acid with similar properties. This amino acid position is well conserved in available vertebrate species. In addition, this alteration is predicted to be deleterious by in silico analysis. Based on the available evidence, the clinical significance of this variant remains unclear.

Baylor Genetics
Classification: Uncertain significance for Juvenile myelomonocytic leukemia. Last evaluated: 2023-12-24. Review status: criteria provided, single submitter. Criteria: ACMG Guidelines, 2015. Collection method: clinical testing. Allele origin: unknown.

Genome-Nilou Lab
Classification: Uncertain significance for Neurofibromatosis, type 1. Last evaluated: 2022-03-15. Review status: criteria provided, single submitter. Criteria: ACMG Guidelines, 2015. Collection method: clinical testing. Allele origin: germline. Affected: no.

GeneDx
Classification: Uncertain significance. Last evaluated: 2017-10-30. Review status: criteria provided, single submitter. Criteria: GeneDx Variant Classification (06012015). Collection method: clinical testing. Allele origin: germline. Affected: yes.
Comment: This variant is denoted NF1 c.320C>T at the cDNA level, p.Thr107Met (T107M) at the protein level, and results in the change of a Threonine to a Methionine (ACG>ATG). This variant has not, to our knowledge, been published in the literature as pathogenic or benign. NF1 Thr107Met was not observed in large population cohorts (Lek 2016). Since Threonine and Methionine differ in polarity, charge, size or other properties, this is considered a non-conservative amino acid substitution. NF1 Thr107Met occurs at a position that is conserved across species and is not located in a known functional domain. In silico analyses predict that this variant is probably damaging to protein structure and function. Based on currently available evidence, it is unclear whether NF1 Thr107Met is a pathogenic or benign variant. We consider it to be a variant of uncertain significance.

NM_001042492.3(NF1):c.320C>T (p.Thr107Met)

Gene: NF1 (neurofibromin 1; plus strand). Cytogenetic location: 17q11.2.
Variant type: single nucleotide variant.
Coding change: c.320C>T on transcript NM_001042492.3 (MANE Select); coding-DNA position 320, C replaced by T.
Protein change: p.Thr107Met; replaces threonine 107 with methionine.
Molecular consequence: missense variant.
Genome position (GRCh38, 1-based): chr17:31,163,217, C>T. VCF-style: chr17-31163217-C-T. GRCh37 (hg19) VCF-style: chr17-29490235-C-T.
Other names: c.320C>T, p.Thr107Met (NM_000267.4, NM_001128147.3); short protein forms T107M.
Identifiers: ClinVar variation 561690 (VCV000561690.13), dbSNP rs1567817857, ClinGen allele CA398981696.
Genomic context (GRCh38, chr17:31,163,217, plus strand): 5'-TTAGAATAATGTGATTATTTCTATTTTAGCAACCAAAGGACACAATGAGATTAGATGAAA[C>T]GATGCTGGTCAAACAGTTGCTGCCAGAAATCTGCCATTTTCTTCACACCTGTCGTGAAGG-3'
Protein context (NP_001035957.1, residues 97-117): QPKDTMRLDE[Thr107Met]MLVKQLLPEI